The following is an entry in ClinVar:

NC_000003.12:g.169765159G>C

Genes: TERC (telomerase RNA component; minus strand), LOC110806306 (telomerase RNA component (TERC) promoter; plus strand). Cytogenetic location: 3q26.2.
Variant type: single nucleotide variant.
Genome position: GRCh38 VCF-style: chr3-169765159-G-C. GRCh37 (hg19) VCF-style: chr3-169482947-G-C.
Identifiers: ClinVar variation 242267 (VCV000242267.32), dbSNP rs540289812, ClinGen allele CA2696853.

ClinVar aggregate classification (germline): Benign/Likely benign. Review status: criteria provided, multiple submitters, no conflicts (2 of 4 stars). 6 submissions from 6 submitters: Benign (1); Likely benign (4). 1 of the submissions does not count toward it. Last evaluated 2026-04-01.

Conditions:
TERC-related disorder. Also called: TERC-related condition.
Dyskeratosis congenita, autosomal dominant 1 (DKCA1). Also called: Dyskeratosis congenita Scoggins type. Identifiers: Orphanet 1775, MedGen C4551974, MONDO:0007485, OMIM 127550. Inheritance: Variable.

Allele frequency attached by ClinVar (database versions not stated): 1000 Genomes Project 30x 0.00031; 1000 Genomes Project 0.00040; gnomAD 0.00066 and 0.00064; TOPMed 0.00067; gnomAD exomes 0.00094 and 0.00084; ExAC 0.00085.

Submissions (6):

CeGaT Center for Human Genetics Tuebingen
Classification: Benign. Last evaluated: 2026-04-01. Review status: criteria provided, single submitter. Criteria: CeGaT Center For Human Genetics Tuebingen Variant Classification Criteria Version 2. Collection method: clinical testing. Allele origin: germline. Affected: yes. Observed: 3 variant alleles.
Comment: TERC: BS1, BS2

Labcorp Genetics (formerly Invitae), Labcorp
Classification: Likely benign for Dyskeratosis congenita, autosomal dominant 1. Last evaluated: 2025-12-01. Review status: criteria provided, single submitter. Criteria: Invitae Variant Classification Sherloc (09022015). Collection method: clinical testing. Allele origin: germline.

Blueprint Genetics
Classification: Likely benign. Last evaluated: 2024-11-22. Review status: criteria provided, single submitter. Criteria: ACMG Guidelines, 2015. Collection method: clinical testing. Allele origin: germline.

Genetic Services Laboratory, University of Chicago
Classification: Likely benign. Last evaluated: 2020-03-19. Review status: criteria provided, single submitter. Criteria: ACMG Guidelines, 2015. Collection method: clinical testing. Allele origin: germline. Affected: no.

GeneDx
Classification: Likely benign. Last evaluated: 2019-02-01. Review status: criteria provided, single submitter. Criteria: GeneDx Variant Classification Process June 2021. Collection method: clinical testing. Allele origin: germline. Affected: yes.
Comment: This variant is associated with the following publications: (PMID: 15212690, 16825992, 16670076)

PreventionGenetics, part of Exact Sciences
Classification: Likely benign for TERC-related condition. Last evaluated: 2024-06-26. Review status: no assertion criteria provided. Collection method: clinical testing. Allele origin: germline. Not counted in ClinVar's aggregate classification.
Comment: This variant is classified as likely benign based on ACMG/AMP sequence variant interpretation guidelines (Richards et al. 2015 PMID: 25741868, with internal and published modifications).